The following is an entry in ClinVar:

ClinVar aggregate classification (germline): Conflicting classifications of pathogenicity. Review status: criteria provided, conflicting classifications (1 of 4 stars). 5 submissions from 5 submitters: Pathogenic (2); Likely pathogenic (2); Uncertain significance (1). Last evaluated 2025-10-09.

Conditions:
Glycine encephalopathy 2 (GCE2). Identifiers: MedGen C5830559, MONDO:0958192, OMIM 620398.
Glycine encephalopathy. Also called: Non-ketotic hyperglycinemia; Nonketotic hyperglycinemia. Identifiers: Orphanet 407, MedGen C0751748, MONDO:0011612, HP:0008288.

Allele frequency attached by ClinVar (database versions not stated): gnomAD 0.00001; gnomAD exomes 0.00001 and 0.00002.
gnomAD v4.1: 15 of 1,614,052 alleles (0.00093%); highest among the groups gnomAD compares: East Asian, 0.0022%; no homozygotes.

Submissions (5):

Natera, Inc.
Classification: Likely pathogenic for Non-ketotic hyperglycinemia. Last evaluated: 2025-10-09. Review status: criteria provided, single submitter. Criteria: Natera Variant Classification Schema (03/2026). Collection method: clinical testing. Allele origin: germline.
Comment: The c.665G>A variant in AMT is a missense variant predicted to cause substitution of arginine to histidine at amino acid 222. This variant is rare in the general population with a frequency below the threshold expected for the associated phenotype(s). This variant has been observed in one or more individuals affected with the associated recessive disease, as either homozygous or compound heterozygous with a second variant (PMID: 26179960, 38259611). A different variant at the same position has been determined to be Pathogenic or Likely Pathogenic. Computational prediction algorithms indicate this variant is likely to affect gene or protein function. Given the available evidence, this variant is classified as Likely Pathogenic.

Myriad Genetics, Inc.
Classification: Likely pathogenic for Glycine encephalopathy 2. Last evaluated: 2025-03-04. Review status: criteria provided, single submitter. Criteria: Myriad Autosomal Dominant, Autosomal Recessive and X-Linked Classification Criteria (2023). Collection method: clinical testing. Allele origin: unknown.
Comment: NM_000481.3(AMT):c.665G>A(R222H) is a missense variant classified as likely pathogenic in the context of glycine encephalopathy, AMT-related. R222H has been observed in cases with relevant disease (PMID: 27362913, 29789446, 38259611). Relevant functional assessments of this variant are not available in the literature. Internal structural analysis of the variant is supportive of pathogenicity. R222H has been observed in referenced population frequency databases. In summary, NM_000481.3(AMT):c.665G>A(R222H) is a missense variant that has internal structural support for pathogenicity and has been observed more frequently in cases with the relevant disease than in healthy populations. Please note: this variant was assessed in the context of healthy population screening.

Genomic Medicine Center of Excellence, King Faisal Specialist Hospital and Research Centre
Classification: Uncertain significance for Glycine encephalopathy 2. Last evaluated: 2024-04-04. Review status: criteria provided, single submitter. Criteria: ACMG Guidelines, 2015. Collection method: clinical testing. Allele origin: germline.

Labcorp Genetics (formerly Invitae), Labcorp
Classification: Pathogenic for Glycine encephalopathy. Last evaluated: 2023-10-18. Review status: criteria provided, single submitter. Criteria: Invitae Variant Classification Sherloc (09022015). Collection method: clinical testing. Allele origin: germline.
Comment: This sequence change replaces arginine, which is basic and polar, with histidine, which is basic and polar, at codon 222 of the AMT protein (p.Arg222His). This variant is present in population databases (rs562695274, gnomAD 0.006%). This missense change has been observed in individual(s) with nonketotic hyperglycinemia (PMID: 26179960, 27362913). In at least one individual the data is consistent with being in trans (on the opposite chromosome) from a pathogenic variant. ClinVar contains an entry for this variant (Variation ID: 870896). Advanced modeling of protein sequence and biophysical properties (such as structural, functional, and spatial information, amino acid conservation, physicochemical variation, residue mobility, and thermodynamic stability) performed at Invitae indicates that this missense variant is expected to disrupt AMT protein function. This variant disrupts the p.Arg222 amino acid residue in AMT. Other variant(s) that disrupt this residue have been determined to be pathogenic (PMID: 25231368, 27362913). This suggests that this residue is clinically significant, and that variants that disrupt this residue are likely to be disease-causing. For these reasons, this variant has been classified as Pathogenic.

CeGaT Center for Human Genetics Tuebingen
Classification: Pathogenic. Last evaluated: 2018-05-01. Review status: criteria provided, single submitter. Criteria: CeGaT Center For Human Genetics Tuebingen Variant Classification Criteria Version 2. Collection method: clinical testing. Allele origin: germline. Affected: yes. Observed: 1 variant allele.

Literature cited by the submitters: PubMed 26179960 (cited by Natera, Inc. and Labcorp Genetics (formerly Invitae), Labcorp); PubMed 38259611 (cited by Natera, Inc. and Myriad Genetics, Inc.); PubMed 27362913 (cited by Myriad Genetics, Inc. and Labcorp Genetics (formerly Invitae), Labcorp); PubMed 29789446 (cited by Myriad Genetics, Inc.); PubMed 25231368 (cited by Labcorp Genetics (formerly Invitae), Labcorp).

NM_000481.4(AMT):c.665G>A (p.Arg222His)

Gene: AMT (aminomethyltransferase; minus strand). Cytogenetic location: 3p21.31.
Variant type: single nucleotide variant.
Coding change: c.665G>A on transcript NM_000481.4 (MANE Select); coding-DNA position 665, G replaced by A.
Protein change: p.Arg222His; replaces arginine 222 with histidine.
Molecular consequence: missense variant. On other transcripts: non-coding transcript variant (1).
Genome position (GRCh38, 1-based): chr3:49,419,291, C>T on the plus strand (G>A on the coding strand, the complement: AMT is on the minus strand). VCF-style: chr3-49419291-C-T. GRCh37 (hg19) VCF-style: chr3-49456724-C-T.
Other names: c.533G>A, p.Arg178His (NM_001164710.2); c.497G>A, p.Arg166His (NM_001164711.2); c.665G>A, p.Arg222His (NM_001164712.2); c.665G>A (NM_000481.3); short protein forms R178H, R222H, R166H.
Identifiers: ClinVar variation 870896 (VCV000870896.50), dbSNP rs562695274, ClinGen allele CA74513945.